The following is an entry in ClinVar:

NM_003331.5(TYK2):c.1401G>A (p.Glu467=)

Gene: TYK2 (tyrosine kinase 2; minus strand). Cytogenetic location: 19p13.2.
Variant type: single nucleotide variant.
Coding change: c.1401G>A on transcript NM_003331.5 (MANE Select); coding-DNA position 1401, G replaced by A.
Protein change: p.Glu467=; no amino-acid change (glutamic acid 467 retained).
Molecular consequence: synonymous variant.
Genome position (GRCh38, 1-based): chr19:10,362,624, C>T on the plus strand (G>A on the coding strand, the complement: TYK2 is on the minus strand). VCF-style: chr19-10362624-C-T. GRCh37 (hg19) VCF-style: chr19-10473300-C-T.
Identifiers: ClinVar variation 741934 (VCV000741934.12), dbSNP rs547478293, ClinGen allele CA9193424.
Genomic context (GRCh38, chr19:10,362,624, plus strand): 5'-CACTGTGAGGATCAGGCGGTAGGGGTGGCTGGTGCTCCAGTGAATGAGGTACAGGCCGTC[C>T]TCGGGCCGCAGCTTGGCCTGCACAAATGGCTCCCTGGAAGGTGGTCCAGGGGGACTATCA-3'
Protein context (NP_003322.3, residues 457-477): EPFVQAKLRP[Glu467=]DGLYLIHWST

ClinVar aggregate classification (germline): Likely benign. Review status: criteria provided, multiple submitters, no conflicts (2 of 4 stars). 3 submissions from 3 submitters: Likely benign (2). 1 of the submissions does not count toward it. Last evaluated 2025-10-29.

Conditions:
TYK2-related disorder. Also called: TYK2-related condition.
Immunodeficiency 35 (IMD35). Also called: TYK2 DEFICIENCY; Susceptibility to infection due to TYK2 deficiency; HIES WITH ATYPICAL MYCOBACTERIOSIS, AUTOSOMAL RECESSIVE; HYPER-IgE SYNDROME WITH ATYPICAL MYCOBACTERIOSIS, AUTOSOMAL RECESSIVE. Identifiers: Orphanet 331226, MedGen C1969086, MONDO:0012682, OMIM 611521.

Allele frequency attached by ClinVar (database versions not stated): gnomAD below 0.00001 and 0.00003; TOPMed 0.00001; gnomAD exomes 0.00010 and 0.00030; ExAC 0.00066.
gnomAD v4.1: 159 of 1,552,048 alleles (0.01%); highest among the groups gnomAD compares: South Asian, 0.17%; 4 homozygotes.

Submissions (3):

Labcorp Genetics (formerly Invitae), Labcorp
Classification: Likely benign for Immunodeficiency 35. Last evaluated: 2025-10-29. Review status: criteria provided, single submitter. Criteria: Invitae Variant Classification Sherloc (09022015). Collection method: clinical testing. Allele origin: germline.

Blueprint Genetics
Classification: Likely benign. Last evaluated: 2024-11-18. Review status: criteria provided, single submitter. Criteria: ACMG Guidelines, 2015. Collection method: clinical testing. Allele origin: germline.

PreventionGenetics, part of Exact Sciences
Classification: Likely benign for TYK2-related condition. Last evaluated: 2019-05-23. Review status: no assertion criteria provided. Collection method: clinical testing. Allele origin: germline. Not counted in ClinVar's aggregate classification.
Comment: This variant is classified as likely benign based on ACMG/AMP sequence variant interpretation guidelines (Richards et al. 2015 PMID: 25741868, with internal and published modifications).